The following is an entry in ClinVar:

ClinVar aggregate classification (germline): Likely benign (0 of 4 stars; one submission).

Conditions:
VPS13A-related disorder. Also called: VPS13A-related condition.

Submission:

PreventionGenetics, part of Exact Sciences
Classification: Likely benign for VPS13A-related condition. Last evaluated: 2019-07-09. Review status: no assertion criteria provided. Collection method: clinical testing. Allele origin: germline.
Comment: This variant is classified as likely benign based on ACMG/AMP sequence variant interpretation guidelines (Richards et al. 2015 PMID: 25741868, with internal and published modifications).

NM_033305.3(VPS13A):c.1596-9_1596-8dup

Gene: VPS13A (vacuolar protein sorting 13 homolog A; plus strand). Cytogenetic location: 9q21.2.
Variant type: Duplication.
Coding change: c.1596-9_1596-8dup on transcript NM_033305.3 (MANE Select); 9 bases into the intron before coding-DNA position 1596 through 8 bases into the intron before coding-DNA position 1596, 2 bases duplicated (TT; older notation c.1596-9_1596-8dupTT).
Molecular consequence: intron variant.
Genome position (GRCh38, 1-based): chr9:77,237,993-77,237,994, TT duplicated; duplicating any 2 consecutive bases within chr9:77,237,985-77,237,994 gives the same sequence; the c. name uses the placement nearest the transcript's 3' end. VCF-style (leftmost placement, unchanged base first): chr9-77237984-C-CTT. GRCh37 (hg19) VCF-style: chr9-79852900-C-CTT.
Other names: c.1596-9_1596-8dup (NM_001018037.2, NM_015186.4, NM_001018038.3).
Identifiers: ClinVar variation 3050141 (VCV003050141.2), dbSNP rs748907586, ClinGen allele CA588651270.